The following is an entry in ClinVar:

ClinVar aggregate classification (germline): Pathogenic. Review status: reviewed by expert panel (3 of 4 stars). 13 submissions from 12 submitters: Pathogenic (1). 12 of the submissions do not count toward it. Last evaluated 2025-12-05.

Conditions:
ABCA4-related retinopathy. Also called: ABCA4-related retinoapthy; ABCA4 retinoapthy. Identifiers: MedGen CN322612, MONDO:0800406.
ABCA4-related disorder. Also called: ABCA4-related disorders; ABCA4-related condition. Identifiers: MedGen CN239167.
Retinal dystrophy. Also called: Inherited retinal dystrophy. Identifiers: Orphanet 71862, MedGen C0854723, MeSH D058499, MONDO:0019118, HP:0000556.
Age related macular degeneration 2. Also called: MACULAR DEGENERATION, SENILE; MACULOPATHY, AGE-RELATED, 2; MACULOPATHY, AGE-RELATED. Identifiers: MedGen C3495438, MONDO:0007932, OMIM 153800.
Retinitis pigmentosa 19 (RP19). Also called: ABCA4-Related Retinitis Pigmentosa. Identifiers: Orphanet 791, MedGen C1866422, MONDO:0011137, OMIM 601718.
Cone-rod dystrophy 3 (CORD3). Identifiers: Orphanet 1872, MedGen C1858806, MONDO:0011395, OMIM 604116.
Severe early-childhood-onset retinal dystrophy (STGD1). Also called: MACULAR DYSTROPHY WITH FLECKS, TYPE 1; Stargardt macular dystrophy; Juvenile onset macular degeneration; Stargardt disease 1; STGD. Identifiers: Orphanet 364055, Orphanet 827, MedGen C1855465, MeSH D000080362, MONDO:0009549, OMIM 248200.

Allele frequency attached by ClinVar (database versions not stated): TOPMed 0.00002; gnomAD 0.00003 and 0.00004; gnomAD exomes 0.00005 and 0.00007; ExAC 0.00012.
gnomAD v4.1: 74 of 1,613,980 alleles (0.0046%); highest among the groups gnomAD compares: Non-Finnish European, 0.0046%; no homozygotes.

Submissions (13):

ClinGen ABCA4 Variant Curation Expert Panel, Clingen
Classification: Pathogenic for ABCA4-related retinopathy. Last evaluated: 2025-12-05. Review status: reviewed by expert panel. Criteria: ClinGen ABCA4 ACMG Specifications V1.0.0. Collection method: curation. Allele origin: germline. Inheritance: Autosomal recessive inheritance.
Comment: The c.4773+3A>G variant in ABCA4 is an intronic variant involving an A to G sequence change that affects a conserved donor splice site in intron 33 and is expected to disrupt splicing and trigger skipping of exon 33, likely leading to truncated protein products or nonsense-mediated mRNA decay. (PVS1; PMID: 29162642). This variant’s total minor allele frequency in gnomAD v4.1.0 is 0.0000458 (74/1613980 alleles), which is lower than the ClinGen ABCA4 VCEP’s threshold for PM2_Supporting (<0.0001). The prevalence of the variant in affected individuals is significantly increased compared with the prevalence in controls. The Odds Ratio is 13.8 and the Confidence Interval (CI) ranges from 6.11 to 31.42, which is above the ABCA4 VCEP threshold of ≥5, where the CI does not contain 1 (PS4; PMID: 35120629). At least two individuals with ABCA4-related retinopathy were compound heterozygous for the variant and a pathogenic variant, phase unconfirmed (PM3, PMID: 28118664). The variant has been reported to segregate with ABCA4-related retinopathy in an affected proband and two affected relatives within a single family (PP1_Moderate; PMID: 23918662). In summary, this variant meets the criteria to be classified as pathogenic for ABCA4-related retinopathy based on the ACMG/AMP criteria applied, as specified by the ClinGen ABCA4 VCEP (Specification Version 1.0): PVS1, PS4, PM3, PP1_Moderate, PM2_Supporting.

Labcorp Genetics (formerly Invitae), Labcorp
Classification: Pathogenic. Last evaluated: 2025-12-17. Review status: criteria provided, single submitter. Criteria: Invitae Variant Classification Sherloc (09022015). Collection method: clinical testing. Allele origin: germline. Not counted in ClinVar's aggregate classification.
Comment: This sequence change falls in intron 33 of the ABCA4 gene. It does not directly change the encoded amino acid sequence of the ABCA4 protein. It affects a nucleotide within the consensus splice site. This variant is present in population databases (rs759672616, gnomAD 0.02%). This variant has been observed in individual(s) with clinical features of ABCA4-related conditions (PMID: 23443024, 23918662, 29555955, 30718709). In at least one individual the data is consistent with being in trans (on the opposite chromosome) from a pathogenic variant. It has also been observed to segregate with disease in related individuals. ClinVar contains an entry for this variant (Variation ID: 236122). Variants that disrupt the consensus splice site are a relatively common cause of aberrant splicing (PMID: 17576681, 9536098). Studies have shown that this variant alters mRNA splicing and is expected to lead to the loss of protein expression (PMID: 28118664, 29162642). For these reasons, this variant has been classified as Pathogenic.

Laboratory of Genetics, Children's Clinical University Hospital Latvia
Classification: Pathogenic. Last evaluated: 2025-02-16. Review status: criteria provided, single submitter. Criteria: ACMG Guidelines, 2015. Collection method: clinical testing. Allele origin: germline. Affected: yes. Not counted in ClinVar's aggregate classification.

Blueprint Genetics
Classification: Pathogenic for ABCA4-related disorders. Last evaluated: 2024-09-20. Review status: criteria provided, single submitter. Criteria: ACMG Guidelines, 2015. Collection method: clinical testing. Allele origin: germline. Affected: yes. Observed: 5 variant alleles. Not counted in ClinVar's aggregate classification.

Fulgent Genetics
Classification: Pathogenic for Age related macular degeneration 2; Severe early-childhood-onset retinal dystrophy; Retinitis pigmentosa 19; Cone-rod dystrophy 3. Last evaluated: 2024-05-06. Review status: criteria provided, single submitter. Criteria: ACMG Guidelines, 2015. Collection method: clinical testing. Allele origin: germline. Not counted in ClinVar's aggregate classification.

Institute of Human Genetics, University of Leipzig Medical Center
Classification: Pathogenic for Severe early-childhood-onset retinal dystrophy. Last evaluated: 2022-02-18. Review status: criteria provided, single submitter. Criteria: ACMG Guidelines, 2015. Collection method: clinical testing. Allele origin: paternal. Affected: yes. Not counted in ClinVar's aggregate classification.
Comment: _x000D_ Criteria applied: PM3_VSTR, PS3, PM2_SUP

Institute of Human Genetics, Univ. Regensburg, Univ. Regensburg
Classification: Pathogenic for Retinal dystrophy. Last evaluated: 2021-01-01. Review status: criteria provided, single submitter. Criteria: ACMG Guidelines, 2015. Collection method: clinical testing. Allele origin: germline. Affected: yes. Not counted in ClinVar's aggregate classification.

Institute of Medical Genetics and Applied Genomics, University Hospital Tübingen
Classification: Pathogenic. Last evaluated: 2020-10-23. Review status: criteria provided, single submitter. Criteria: ACMG Guidelines, 2015. Collection method: clinical testing. Allele origin: germline. Inheritance: Autosomal recessive inheritance. Affected: yes. Not counted in ClinVar's aggregate classification.

Revvity Omics, Revvity
Classification: Pathogenic. Last evaluated: 2020-09-28. Review status: criteria provided, single submitter. Criteria: ACMG Guidelines, 2015. Collection method: clinical testing. Allele origin: germline. Not counted in ClinVar's aggregate classification.

CeGaT Center for Human Genetics Tuebingen
Classification: Pathogenic. Last evaluated: 2020-01-01. Review status: criteria provided, single submitter. Criteria: CeGaT Center For Human Genetics Tuebingen Variant Classification Criteria Version 2. Collection method: clinical testing. Allele origin: germline. Affected: yes. Observed: 1 variant allele. Not counted in ClinVar's aggregate classification.

Institute of Human Genetics, Univ. Regensburg, Univ. Regensburg
Classification: Pathogenic for Severe early-childhood-onset retinal dystrophy. Last evaluated: 2016-01-01. Review status: criteria provided, single submitter. Criteria: Schulz et al. (Invest Ophthalmol Vis Sci. 2017). Collection method: clinical testing, in vitro. Allele origin: germline, unknown. Affected: yes. Observed: 2 heterozygotes. Functional consequence: sequence_variant_affecting_splicing. Not counted in ClinVar's aggregate classification.

GeneDx
Classification: Pathogenic. Last evaluated: 2015-09-03. Review status: criteria provided, single submitter. Criteria: GeneDx Variant Classification (06012015). Collection method: clinical testing. Allele origin: germline. Affected: yes. Not counted in ClinVar's aggregate classification.
Comment: The c.4773+3 A>G splice site variant in the ABCA4 gene has been previously reported in association with Stargardt disease (Duno et al., 2012; Jonsson et al., 2013; Braun et al., 2013). This variant is predicted to destroy the canonical splice donor site in intron 33. It is predicted to cause abnormal gene splicing, either leading to an abnormal message that is subject to nonsense-mediated mRNA decay, or to an abnormal protein product if the message is used for protein translation. The c.4773+3 A>G variant was not observed in approximately 6,500 individuals of European and African American ancestry in the NHLBI Exome Sequencing Project, indicating it is not a common benign variant in these populations.

Department of Clinical Genetics, Copenhagen University Hospital, Rigshospitalet
Classification: Uncertain significance for Retinal dystrophy. Last evaluated: 2018-04-01. Review status: no assertion criteria provided. Collection method: research. Allele origin: unknown. Affected: yes. Study: VeluxRD. Not counted in ClinVar's aggregate classification.

Literature cited by the submitters: PubMed 23443024 (cited by Labcorp Genetics (formerly Invitae), Labcorp and Institute of Human Genetics, Univ. Regensburg, Univ. Regensburg); PubMed 23918662 (cited by Labcorp Genetics (formerly Invitae), Labcorp and Institute of Human Genetics, Univ. Regensburg, Univ. Regensburg); PubMed 29555955 (cited by Labcorp Genetics (formerly Invitae), Labcorp and Institute of Human Genetics, Univ. Regensburg, Univ. Regensburg); PubMed 30718709 (cited by 3 submitters); PubMed 17576681 (cited by Labcorp Genetics (formerly Invitae), Labcorp); PubMed 9536098 (cited by Labcorp Genetics (formerly Invitae), Labcorp); PubMed 28118664 (cited by Labcorp Genetics (formerly Invitae), Labcorp and Institute of Human Genetics, Univ. Regensburg, Univ. Regensburg); PubMed 29162642 (cited by Labcorp Genetics (formerly Invitae), Labcorp and Institute of Human Genetics, Univ. Regensburg, Univ. Regensburg); PubMed 22229821 (cited by Institute of Human Genetics, Univ. Regensburg, Univ. Regensburg); PubMed 29461686 (cited by Institute of Human Genetics, Univ. Regensburg, Univ. Regensburg); PubMed 31589614 (cited by Institute of Human Genetics, Univ. Regensburg, Univ. Regensburg); PubMed 31964843 (cited by Institute of Human Genetics, Univ. Regensburg, Univ. Regensburg); PubMed 31429209 (cited by Institute of Human Genetics, Univ. Regensburg, Univ. Regensburg); PubMed 36209838 (cited by Institute of Human Genetics, Univ. Regensburg, Univ. Regensburg); PubMed 36460718 (cited by Institute of Human Genetics, Univ. Regensburg, Univ. Regensburg).

NM_000350.3(ABCA4):c.4773+3A>G

Genes: ABCA4 (ATP binding cassette subfamily A member 4; minus strand), LOC126805793 (CDK7 strongly-dependent group 2 enhancer GRCh37_chr1:94486302-94487501; plus strand). Cytogenetic location: 1p22.1.
Variant type: single nucleotide variant.
Coding change: c.4773+3A>G on transcript NM_000350.3 (MANE Select); 3 bases into the intron after coding-DNA position 4773, A replaced by G.
Molecular consequence: intron variant.
Genome position (GRCh38, 1-based): chr1:94,021,843, T>C on the plus strand (A>G on the coding strand, the complement: ABCA4 is on the minus strand). VCF-style: chr1-94021843-T-C. GRCh37 (hg19) VCF-style: chr1-94487399-T-C.
Identifiers: ClinVar variation 236122 (VCV000236122.64), dbSNP rs759672616, ClinGen allele CA957487.